The following is an entry in ClinVar:

NM_002227.4(JAK1):c.330-3C>T

Gene: JAK1 (Janus kinase 1; minus strand). Cytogenetic location: 1p31.3.
Variant type: single nucleotide variant.
Coding change: c.330-3C>T on transcript NM_002227.4 (MANE Select); 3 bases into the intron before coding-DNA position 330, C replaced by T.
Molecular consequence: intron variant.
Genome position (GRCh38, 1-based): chr1:64,873,526, G>A on the plus strand (C>T on the coding strand, the complement: JAK1 is on the minus strand). VCF-style: chr1-64873526-G-A. GRCh37 (hg19) VCF-style: chr1-65339209-G-A.
Other names: c.330-3C>T (NM_001321852.2, NM_001321854.2, NM_001321853.2 and 4 more transcripts).
Identifiers: ClinVar variation 1996967 (VCV001996967.4), dbSNP rs2523005358, ClinGen allele CA2580063169.

ClinVar aggregate classification (germline): Uncertain significance (1 of 4 stars; one submission).

Allele frequency attached by ClinVar (database versions not stated): gnomAD exomes below 0.00001.
gnomAD v4.1: 1 of 1,614,060 alleles (0.000062%); highest among the groups gnomAD compares: African/African-American, 0.0013%; no homozygotes.

Submission:

Labcorp Genetics (formerly Invitae), Labcorp
Classification: Uncertain significance. Last evaluated: 2022-05-20. Review status: criteria provided, single submitter. Criteria: Invitae Variant Classification Sherloc (09022015). Collection method: clinical testing. Allele origin: germline.
Comment: In summary, the available evidence is currently insufficient to determine the role of this variant in disease. Therefore, it has been classified as a Variant of Uncertain Significance. Variants that disrupt the consensus splice site are a relatively common cause of aberrant splicing (PMID: 17576681, 9536098). Algorithms developed to predict the effect of sequence changes on RNA splicing suggest that this variant is not likely to affect RNA splicing. This variant has not been reported in the literature in individuals affected with JAK1-related conditions. This variant is not present in population databases (gnomAD no frequency). This sequence change falls in intron 4 of the JAK1 gene. It does not directly change the encoded amino acid sequence of the JAK1 protein. It affects a nucleotide within the consensus splice site.

Literature cited by the submitters: PubMed 17576681; PubMed 9536098.